The following is an entry in ClinVar:

NM_012470.4(TNPO3):c.2222G>A (p.Gly741Asp)

Gene: TNPO3 (transportin 3; minus strand). Cytogenetic location: 7q32.1.
Variant type: single nucleotide variant.
Coding change: c.2222G>A on transcript NM_012470.4 (MANE Select); coding-DNA position 2222, G replaced by A.
Protein change: p.Gly741Asp; replaces glycine 741 with aspartic acid.
Molecular consequence: missense variant. On other transcripts: non-coding transcript variant (18).
Genome position (GRCh38, 1-based): chr7:128,974,919, C>T on the plus strand (G>A on the coding strand, the complement: TNPO3 is on the minus strand). VCF-style: chr7-128974919-C-T. GRCh37 (hg19) VCF-style: chr7-128614973-C-T.
Other names: c.2030G>A, p.Gly677Asp (NM_001191028.3, NM_001382223.1); c.2324G>A, p.Gly775Asp (NM_001382216.1); c.2303G>A, p.Gly768Asp (NM_001382217.1); c.2222G>A, p.Gly741Asp (NM_001382218.1); c.2114G>A, p.Gly705Asp (NM_001382219.1); c.2081G>A, p.Gly694Asp (NM_001382220.1); c.2078G>A, p.Gly693Asp (NM_001382221.1); c.2075G>A, p.Gly692Asp (NM_001382222.1); and 1 more; short protein forms G692D, G693D, G694D, G775D, G677D, G705D, G741D, G768D.
Identifiers: ClinVar variation 1417525 (VCV001417525.7), dbSNP rs1179797056, ClinGen allele CA369217459.
Genomic context (GRCh38, chr7:128,974,919, plus strand): 5'-AGGATTTACCTGGTGGCTAGCCGGAACAGGTCATCTACAGTGTCAGGGTGATTCTGGAGA[C>T]CATTCTGCTGTTCTAGGAGCTGAAAGGTGGGGATGCACAGTGCCTAAAACAAAACAGTGA-3'
Protein context (NP_036602.1, residues 731-751): PTFQLLEQQN[Gly741Asp]LQNHPDTVDD

ClinVar aggregate classification (germline): Uncertain significance. Review status: criteria provided, multiple submitters, no conflicts (2 of 4 stars). 2 submissions from 2 submitters: Uncertain significance (2). Last evaluated 2022-10-04.

Conditions:
Autosomal dominant limb-girdle muscular dystrophy type 1F (LGMDD2). Also called: MUSCULAR DYSTROPHY, LIMB-GIRDLE, AUTOSOMAL DOMINANT 2; Limb-girdle muscular dystrophy, type 1F. Identifiers: Orphanet 55595, MedGen C1842062, MONDO:0012034, OMIM 608423.
Inborn genetic diseases. Identifiers: MedGen C0950123, MeSH D030342.

Allele frequency attached by ClinVar (database versions not stated): TOPMed below 0.00001.

Submissions (2):

Ambry Genetics
Classification: Uncertain significance for Inborn genetic diseases. Last evaluated: 2022-10-04. Review status: criteria provided, single submitter. Criteria: Ambry Variant Classification Scheme 2023. Collection method: clinical testing. Allele origin: germline.

Labcorp Genetics (formerly Invitae), Labcorp
Classification: Uncertain significance for Autosomal dominant limb-girdle muscular dystrophy type 1F. Last evaluated: 2021-08-15. Review status: criteria provided, single submitter. Criteria: Invitae Variant Classification Sherloc (09022015). Collection method: clinical testing. Allele origin: germline.
Comment: In summary, the available evidence is currently insufficient to determine the role of this variant in disease. Therefore, it has been classified as a Variant of Uncertain Significance. Algorithms developed to predict the effect of missense changes on protein structure and function are either unavailable or do not agree on the potential impact of this missense change (SIFT: "Tolerated"; PolyPhen-2: "Possibly Damaging"; Align-GVGD: "Class C0"). This variant has not been reported in the literature in individuals affected with TNPO3-related conditions. This variant is not present in population databases (ExAC no frequency). This sequence change replaces glycine with aspartic acid at codon 741 of the TNPO3 protein (p.Gly741Asp). The glycine residue is highly conserved and there is a moderate physicochemical difference between glycine and aspartic acid.